The following is an entry in ClinVar:

NM_002618.4(PEX13):c.928G>C (p.Val310Leu)

Gene: PEX13 (peroxisomal biogenesis factor 13; plus strand). Cytogenetic location: 2p15.
Variant type: single nucleotide variant.
Coding change: c.928G>C on transcript NM_002618.4 (MANE Select); coding-DNA position 928, G replaced by C.
Protein change: p.Val310Leu; replaces valine 310 with leucine.
Molecular consequence: missense variant.
Genome position (GRCh38, 1-based): chr2:61,048,486, G>C. VCF-style: chr2-61048486-G-C. GRCh37 (hg19) VCF-style: chr2-61275621-G-C.
Other names: short protein forms V310L.
Identifiers: ClinVar variation 3341470 (VCV003341470.1).
Genomic context (GRCh38, chr2:61,048,486, plus strand): 5'-CTCCAAAGTATATTGTAATTACAAGACTGTCTTTTTTTTCCATCAGAACAACAACCCAAA[G>C]TGCGTGGTTGGCTTCTGGCTAGCCTTGATGGCCAAACAACAGGACTTATACCTGCGAATT-3'
Protein context (NP_002609.1, residues 300-320): NLALKEQQPK[Val310Leu]RGWLLASLDG

ClinVar aggregate classification (germline): Uncertain significance (1 of 4 stars; one submission).

Conditions:
Peroxisome biogenesis disorder 11A (Zellweger). Also called: Peroxisome biogenesis disorder 11A. Identifiers: Orphanet 912, MedGen C3554000, MONDO:0013949, OMIM 614883.

Submission:

Neuberg Centre For Genomic Medicine, NCGM
Classification: Uncertain significance for Peroxisome biogenesis disorder 11A (Zellweger). Last evaluated: 2023-05-20. Review status: criteria provided, single submitter. Criteria: ACMG Guidelines, 2015. Collection method: clinical testing. Allele origin: germline. Inheritance: Autosomal recessive inheritance. Affected: yes.
Comment: The missense variant c.928G>C (p.Val310Leu) in the PEX13 gene has not been reported previously as a pathogenic variant nor as a benign variant, to our knowledge. This variant is absent in the gnomAD Exomes. The amino acid Valine at position 310 is changed to a Leucine changing protein sequence and it might alter its composition and physico-chemical properties. Multiple lines of computational evidence (Polyphen - Probably damaging, SIFT - Damaging and MutationTaster - Disease causing) predict a damaging effect on protein structure and function for this variant. The amino acid change p.Val310Leu in PEX13 is predicted as conserved by GERP++ and PhyloP across 100 vertebrates. For these reasons, this variant has been classified as Uncertain Significance.